The following is an entry in ClinVar:

NM_000258.3(MYL3):c.278T>C (p.Leu93Pro)

Gene: MYL3 (myosin light chain 3; minus strand). Cytogenetic location: 3p21.31.
Variant type: single nucleotide variant.
Coding change: c.278T>C on transcript NM_000258.3 (MANE Select); coding-DNA position 278, T replaced by C.
Protein change: p.Leu93Pro; replaces leucine 93 with proline.
Molecular consequence: missense variant.
Genome position (GRCh38, 1-based): chr3:46,860,705, A>G on the plus strand (T>C on the coding strand, the complement: MYL3 is on the minus strand). VCF-style: chr3-46860705-A-G. GRCh37 (hg19) VCF-style: chr3-46902195-A-G.
Other names: c.278T>C, p.Leu93Pro (NM_001406937.1, NM_001406938.1, NM_001406939.1); c.104T>C, p.Leu35Pro (NM_001406940.1, NM_001406941.1); short protein forms L35P, L93P.
Identifiers: ClinVar variation 1796032 (VCV001796032.2), dbSNP rs2544966888, ClinGen allele CA352497895.
Genomic context (GRCh38, chr3:46,860,705, plus strand): 5'-CACTATGGGGGCTCTCGGGCAGGTGCACTACCTTCCTGTCTTGGCTTCCCCAGGACACGG[A>G]GCACTTCTGCCTGTGTGGGGTTCTGGCCCAGCGCCCGCAGGACATCCCCACACTGCCCGT-3'
Protein context (NP_000249.1, residues 83-103): LGQNPTQAEV[Leu93Pro]RVLGKPRQEE

ClinVar aggregate classification (germline): Uncertain significance (1 of 4 stars; one submission).

Conditions:
Cardiovascular phenotype. Identifiers: MedGen CN230736.

Submission:

Ambry Genetics
Classification: Uncertain significance for Cardiovascular phenotype. Last evaluated: 2019-09-17. Review status: criteria provided, single submitter. Criteria: Ambry Variant Classification Scheme 2023. Collection method: clinical testing. Allele origin: germline.
Comment: The p.L93P variant (also known as c.278T>C), located in coding exon 3 of the MYL3 gene, results from a T to C substitution at nucleotide position 278. The leucine at codon 93 is replaced by proline, an amino acid with similar properties. This amino acid position is not well conserved in available vertebrate species. In addition, the in silico prediction for this alteration is inconclusive. Since supporting evidence is limited at this time, the clinical significance of this alteration remains unclear.